The following is an entry in ClinVar:

NM_001191057.4(PDE1C):c.1583-2A>T

Gene: PDE1C (phosphodiesterase 1C; minus strand). Cytogenetic location: 7p14.3.
Variant type: single nucleotide variant.
Coding change: c.1583-2A>T on transcript NM_001191057.4 (MANE Select); the canonical splice acceptor site of the intron before coding-DNA position 1583, A replaced by T.
Molecular consequence: splice acceptor variant.
Genome position (GRCh38, 1-based): chr7:31,816,156, T>A on the plus strand (A>T on the coding strand, the complement: PDE1C is on the minus strand). VCF-style: chr7-31816156-T-A. GRCh37 (hg19) VCF-style: chr7-31855770-T-A.
Other names: c.1763-2A>T (NM_001191058.4, NM_001322058.2); c.1583-2A>T (NM_001191059.4, NM_001322055.2, NM_005020.5 and 3 more transcripts); c.1988-2A>T (NM_001322059.2).
Identifiers: ClinVar variation 4881352 (VCV004881352.2).

ClinVar aggregate classification (germline): Uncertain significance (1 of 4 stars; one submission).

Conditions:
Hearing loss, autosomal dominant 74. Also called: DEAFNESS, AUTOSOMAL DOMINANT 74. Identifiers: MedGen C4748334, MONDO:0029137, OMIM 618140.

Submission:

Dasa
Classification: Uncertain significance for Hearing loss, autosomal dominant 74. Last evaluated: 2025-07-08. Review status: criteria provided, single submitter. Criteria: DASA Assertion Criteria. Collection method: clinical testing. Allele origin: germline.
Comment: NM_001191057.4(PDE1C):c.1583-2A>T affects a canonical splice site and is predicted to disrupt normal RNA splicing. This variant is absent from population databases. The currently available literature and clinical evidence are not sufficient to establish a definitive association between this variant and the reported condition. Therefore, this variant is classified as a variant of uncertain significance.